The following is an entry in ClinVar:

NM_024675.4(PALB2):c.2317delinsTG (p.Thr773fs)

Gene: PALB2 (partner and localizer of BRCA2; minus strand). Cytogenetic location: 16p12.2.
Variant type: Indel.
Coding change: c.2317delinsTG on transcript NM_024675.4 (MANE Select); coding-DNA position 2317, A replaced by TG.
Protein change: p.Thr773fs; shifts the reading frame from threonine 773.
Molecular consequence: frameshift variant. On other transcripts: intron variant (1).
Genome position (GRCh38, 1-based): chr16:23,629,837, T replaced by CA on the plus strand (A replaced by TG on the coding strand, the reverse complement: PALB2 is on the minus strand). VCF-style: chr16-23629837-T-CA. GRCh37 (hg19) VCF-style: chr16-23641158-T-CA.
Other names: c.2257delinsTG, p.Thr753fs (NM_001407296.1); c.2317delinsTG, p.Thr773fs (NM_001407297.1, NM_001407298.1, NM_001407299.1 and 3 more transcripts); c.1432delinsTG, p.Thr478fs (NM_001407304.1, NM_001407305.1, NM_001407306.1 and 5 more transcripts); c.529delinsTG, p.Thr177fs (NM_001407312.1, NM_001407313.1); c.49-562delinsTG (NM_001407314.1); short protein forms T177fs, T478fs, T753fs, T773fs.
Identifiers: ClinVar variation 5042269 (VCV005042269.1).
Genomic context (GRCh38, chr16:23,629,837, plus strand): 5'-CTGACACTTGCAGGGTGGTATGTGGTTTTGCTGGGCTGCCTGAACTGTCGAATTGTTTAG[T>CA]ATCACTGGCAAGACAGACTGAGTCTTTCAAATGAGCAAGTTGGGGTGTGCAGCAAGTTCG-3'

ClinVar aggregate classification (germline): Pathogenic (1 of 4 stars; one submission).

Conditions:
Familial cancer of breast. Also called: BREAST CANCER, FAMILIAL; Hereditary breast cancer; hereditary breast carcinoma. Identifiers: Orphanet 227535, MedGen C0346153, MONDO:0016419, OMIM 114480. Disease mechanism: loss of function.

Submission:

Myriad Genetics, Inc.
Classification: Pathogenic for Familial cancer of breast. Last evaluated: 2026-08-31. Review status: criteria provided, single submitter. Criteria: Myriad Autosomal Dominant, Autosomal Recessive and X-Linked Classification Criteria (2023). Collection method: clinical testing. Allele origin: unknown.
Comment: This variant is considered pathogenic. This variant creates a frameshift predicted to result in premature protein truncation.